The following is an entry in ClinVar:

ClinVar aggregate classification (germline): Uncertain significance (1 of 4 stars; one submission).

Conditions:
ABCA4-related disorder. Also called: ABCA4-related condition; ABCA4-related disorders. Identifiers: MedGen CN239167.

Submission:

PreventionGenetics, part of Exact Sciences
Classification: Uncertain significance for ABCA4-related condition. Last evaluated: 2025-12-26. Review status: criteria provided, single submitter. Criteria: ACMG Guidelines, 2015. Collection method: clinical testing. Allele origin: germline.
Comment: The ABCA4 c.4676G>C variant is predicted to result in the amino acid substitution p.Gly1559Ala. To our knowledge, this variant has not been reported in the literature. An alternate substitution of this amino acid residue (p.Gly1559Glu) has been reported along with a second ABCA4 variant in an individual with retinal disease (Table S1, Stone et al. 2017. PubMed ID: 28559085). This variant is absent in a large population database (gnomAD), indicating this variant is rare. Although we suspect that this variant may be pathogenic, at this time, the clinical significance of this variant is uncertain due to the absence of conclusive functional and genetic evidence.

NM_000350.3(ABCA4):c.4676G>C (p.Gly1559Ala)

Genes: ABCA4 (ATP binding cassette subfamily A member 4; minus strand), LOC126805793 (CDK7 strongly-dependent group 2 enhancer GRCh37_chr1:94486302-94487501; plus strand). Cytogenetic location: 1p22.1.
Variant type: single nucleotide variant.
Coding change: c.4676G>C on transcript NM_000350.3 (MANE Select); coding-DNA position 4676, G replaced by C.
Protein change: p.Gly1559Ala; replaces glycine 1559 with alanine.
Molecular consequence: missense variant.
Genome position (GRCh38, 1-based): chr1:94,021,943, C>G on the plus strand (G>C on the coding strand, the complement: ABCA4 is on the minus strand). VCF-style: chr1-94021943-C-G. GRCh37 (hg19) VCF-style: chr1-94487499-C-G.
Other names: c.4454G>C, p.Gly1485Ala (NM_001425324.1); short protein forms G1559A, G1485A.
Identifiers: ClinVar variation 4994244 (VCV004994244.1).